The following is an entry in ClinVar:

NM_000274.4(OAT):c.-59G>C

Gene: OAT (ornithine aminotransferase; minus strand). Cytogenetic location: 10q26.13.
Variant type: single nucleotide variant.
Coding change: c.-59G>C on transcript NM_000274.4 (MANE Select); 59 bases upstream of the start codon, G replaced by C.
Molecular consequence: 5 prime UTR variant.
Genome position (GRCh38, 1-based): chr10:124,418,902, C>G on the plus strand (G>C on the coding strand, the complement: OAT is on the minus strand). VCF-style: chr10-124418902-C-G. GRCh37 (hg19) VCF-style: chr10-126107471-C-G.
Other names: c.-245G>C (NM_001171814.2); c.-54G>C (NM_001322965.2); c.-374G>C (NM_001322966.2); c.-179G>C (NM_001322967.2); c.-266G>C (NM_001322968.2); c.-146G>C (NM_001322969.2); c.-362G>C (NM_001322970.2); c.-59G>C (NM_001322971.2); and 1 more.
Identifiers: ClinVar variation 880349 (VCV000880349.4), dbSNP rs144950523, ClinGen allele CA215261801.

ClinVar aggregate classification (germline): Benign (1 of 4 stars; one submission).

Conditions:
Ornithine aminotransferase deficiency (GACR). Also called: Ornithine ketoacid aminotransferase deficiency; Gyrate atrophy; Gyrate atrophy of choroid and retina; Girate atrophy of the retina; HYPERORNITHINEMIA WITH GYRATE ATROPHY OF CHOROID AND RETINA; OAT DEFICIENCY. Identifiers: Orphanet 414, MedGen C0018425, MONDO:0009796, OMIM 258870.

Allele frequency attached by ClinVar (database versions not stated): 1000 Genomes Project 0.00739; 1000 Genomes Project 30x 0.00765; TOPMed 0.00945.

Submission:

Illumina Laboratory Services, Illumina
Classification: Benign for Ornithine aminotransferase deficiency. Last evaluated: 2017-04-27. Review status: criteria provided, single submitter. Criteria: ICSL Variant Classification Criteria 13 December 2019. Collection method: clinical testing. Allele origin: germline.
Comment: This variant was observed as part of a predisposition screen in an ostensibly healthy population. A literature search was performed for the gene, cDNA change, and amino acid change (where applicable). No publications were found based on this search. Allele frequency data from public databases was too high to be consistent with this variant causing disease. Therefore, this variant is classified as benign.